The following is an entry in ClinVar:

ClinVar aggregate classification (germline): Likely benign (1 of 4 stars; one submission).

Submission:

CeGaT Center for Human Genetics Tuebingen
Classification: Likely benign. Last evaluated: 2026-03-01. Review status: criteria provided, single submitter. Criteria: CeGaT Center For Human Genetics Tuebingen Variant Classification Criteria Version 2. Collection method: clinical testing. Allele origin: germline. Affected: yes. Observed: 2 variant alleles.
Comment: ELOA3BP: BP4, BP7, BS1

NM_001387690.1(KATNAL2):c.51+22126T>C

Gene: KATNAL2 (katanin catalytic subunit A1 like 2; plus strand). Cytogenetic location: 18q21.1.
Variant type: single nucleotide variant.
Coding change: c.51+22126T>C on transcript NM_001387690.1 (MANE Select); 22126 bases into the intron after coding-DNA position 51, T replaced by C.
Molecular consequence: intron variant.
Genome position (GRCh38, 1-based): chr18:46,969,049, T>C. VCF-style: chr18-46969049-T-C. GRCh37 (hg19) VCF-style: chr18-44549012-T-C.
Other names: c.-2+22126T>C (NM_001353904.1, NM_001353903.1, NM_001353907.1 and 3 more transcripts); c.129+22126T>C (NM_001353899.1, NM_001353900.1, NM_001353902.1); c.51+22126T>C (NM_001353901.1, NM_001367621.1); c.-295+22126T>C (NM_001353905.1); c.-95+22126T>C (NM_031303.3).
Identifiers: ClinVar variation 3388358 (VCV003388358.14).